The following is an entry in ClinVar:

ClinVar aggregate classification (germline): Uncertain significance (1 of 4 stars; one submission).

Submission:

Labcorp Genetics (formerly Invitae), Labcorp
Classification: Uncertain significance. Last evaluated: 2024-01-22. Review status: criteria provided, single submitter. Criteria: Invitae Variant Classification Sherloc (09022015). Collection method: clinical testing. Allele origin: germline.
Comment: This sequence change results in a frameshift in the NDUFA2 gene (p.Ala99Serfs*23). While this is not anticipated to result in nonsense mediated decay, it is expected to disrupt the last 1 amino acid(s) of the NDUFA2 protein and extend the protein by 21 additional amino acid residues. This variant is not present in population databases (gnomAD no frequency). This variant has not been reported in the literature in individuals affected with NDUFA2-related conditions. ClinVar contains an entry for this variant (Variation ID: 1499185). In summary, the available evidence is currently insufficient to determine the role of this variant in disease. Therefore, it has been classified as a Variant of Uncertain Significance.

NM_002488.5(NDUFA2):c.294dup (p.Ala99fs)

Genes: NDUFA2 (NADH:ubiquinone oxidoreductase subunit A2; minus strand), TMCO6 (transmembrane and coiled-coil domains 6; plus strand). Cytogenetic location: 5q31.3.
Variant type: Duplication.
Coding change: c.294dup on transcript NM_002488.5 (MANE Select); coding-DNA position 294, one base duplicated (A; older notation c.294dupA).
Protein change: p.Ala99fs; shifts the reading frame from alanine 99.
Molecular consequence: frameshift variant. On other transcripts: 3 prime UTR variant (1), non-coding transcript variant (1).
Genome position (GRCh38, 1-based): chr5:140,645,593, T duplicated on the plus strand (A on the coding strand, the reverse complement: NDUFA2 is on the minus strand); the first of 3 consecutive T bases (chr5:140,645,593-140,645,595); duplicating any one gives the same sequence. VCF-style (leftmost placement, unchanged base first): chr5-140645592-C-CT. GRCh37 (hg19) VCF-style: chr5-140025177-C-CT.
Other names: c.*110dup (NM_001185012.2); short protein forms A99fs.
Identifiers: ClinVar variation 1499185 (VCV001499185.5), dbSNP rs2149800796, ClinGen allele CA2573139037.